The following is an entry in ClinVar:

NM_005732.4(RAD50):c.2554C>T (p.Leu852Phe)

Gene: RAD50 (RAD50 double strand break repair protein; plus strand). Cytogenetic location: 5q31.1.
Variant type: single nucleotide variant.
Coding change: c.2554C>T on transcript NM_005732.4 (MANE Select); coding-DNA position 2554, C replaced by T.
Protein change: p.Leu852Phe; replaces leucine 852 with phenylalanine.
Molecular consequence: missense variant.
Genome position (GRCh38, 1-based): chr5:132,604,835, C>T. VCF-style: chr5-132604835-C-T. GRCh37 (hg19) VCF-style: chr5-131940527-C-T.
Other names: short protein forms L852F.
Identifiers: ClinVar variation 3224964 (VCV003224964.1), dbSNP rs2479668115, ClinGen allele CA360956311.
Genomic context (GRCh38, chr5:132,604,835, plus strand): 5'-TTAATTACTGTGATAATATGTTTTTGTGTAGTTTCTAGTAAGATTGAATTGAATCGTAAG[C>T]TTATACAGGACCAGCAGGAACAGATTCAACATCTAAAAAGTACAACAAATGAGCTAAAAT-3'
Protein context (NP_005723.2, residues 842-862): VSSKIELNRK[Leu852Phe]IQDQQEQIQH

ClinVar aggregate classification (germline): Uncertain significance (1 of 4 stars; one submission).

Conditions:
Hereditary cancer-predisposing syndrome. Also called: Neoplastic Syndromes, Hereditary; Tumor predisposition; Hereditary neoplastic syndrome; Hereditary Cancer Syndrome. Identifiers: Orphanet 140162, MedGen C0027672, MeSH D009386, MONDO:0015356.

Submission:

Ambry Genetics
Classification: Uncertain significance for Hereditary cancer-predisposing syndrome. Last evaluated: 2023-12-23. Review status: criteria provided, single submitter. Criteria: Ambry Variant Classification Scheme 2023. Collection method: clinical testing. Allele origin: germline.
Comment: The p.L852F variant (also known as c.2554C>T), located in coding exon 16 of the RAD50 gene, results from a C to T substitution at nucleotide position 2554. The leucine at codon 852 is replaced by phenylalanine, an amino acid with highly similar properties. This amino acid position is conserved. In addition, this alteration is predicted to be tolerated by in silico analysis. Since supporting evidence is limited at this time, the clinical significance of this alteration remains unclear.